The following is an entry in ClinVar:

ClinVar aggregate classification (germline): Conflicting classifications of pathogenicity. Review status: criteria provided, conflicting classifications (1 of 4 stars). 2 submissions from 2 submitters: Likely pathogenic (1); Uncertain significance (1). Last evaluated 2025-04-19.

Conditions:
Niemann-Pick disease, type A. Also called: SPHINGOMYELIN LIPIDOSIS; SPHINGOMYELINASE DEFICIENCY; Infantile Neurovisceral ASMD (Niemann-Pick Disease Type A; NPD-A). Identifiers: Orphanet 77292, MedGen C0268242, MONDO:0009756, OMIM 257200. Disease mechanism: loss of function.
Niemann-Pick disease, type B. Also called: Chronic Visceral ASMD (Niemann-Pick Disease Type B; NPD-B). Identifiers: Orphanet 77293, MedGen C0268243, MONDO:0011871, OMIM 607616. Disease mechanism: loss of function.

Allele frequency attached by ClinVar (database versions not stated): gnomAD exomes 0.00001; ExAC 0.00003; TOPMed 0.00006; ESP Exome Variant Server 0.00008; gnomAD 0.00011; 1000 Genomes Project 30x 0.00016; 1000 Genomes Project 0.00020.

Submissions (2):

Foundation for Research in Genetics and Endocrinology, FRIGE's Institute of Human Genetics
Classification: Likely pathogenic for Niemann-Pick disease, type A. Last evaluated: 2025-04-19. Review status: criteria provided, single submitter. Criteria: ACMG Guidelines, 2015. Collection method: clinical testing. Allele origin: germline. Inheritance: Autosomal recessive inheritance. Affected: yes. Observed: 1 homozygote.
Comment: A homozygous missense variant in exon 2 of the SMPD1 gene that results in an amino acid substitution of Proline for Leucine at codon 256 was detected. The observed variant c.767T>C (p.Leu256Pro) has a MAF of 0.02% in the 1000 genomes and 0.0028% in the gnomAD databases. The in-silico prediction of the variant is deleterious by MutationTaster2. In summary, the variant meets our criteria to be classified as likely pathogenic.

Labcorp Genetics (formerly Invitae), Labcorp
Classification: Uncertain significance for Niemann-Pick disease, type B; Niemann-Pick disease, type A. Last evaluated: 2022-08-22. Review status: criteria provided, single submitter. Criteria: Invitae Variant Classification Sherloc (09022015). Collection method: clinical testing. Allele origin: germline.
Comment: This sequence change replaces leucine, which is neutral and non-polar, with proline, which is neutral and non-polar, at codon 256 of the SMPD1 protein (p.Leu256Pro). This variant is present in population databases (rs139882665, gnomAD 0.02%). This variant has not been reported in the literature in individuals affected with SMPD1-related conditions. Advanced modeling of protein sequence and biophysical properties (such as structural, functional, and spatial information, amino acid conservation, physicochemical variation, residue mobility, and thermodynamic stability) performed at Invitae indicates that this missense variant is expected to disrupt SMPD1 protein function. In summary, the available evidence is currently insufficient to determine the role of this variant in disease. Therefore, it has been classified as a Variant of Uncertain Significance.

NM_000543.5(SMPD1):c.767T>C (p.Leu256Pro)

Gene: SMPD1 (sphingomyelin phosphodiesterase 1; plus strand). Cytogenetic location: 11p15.4.
Variant type: single nucleotide variant.
Coding change: c.767T>C on transcript NM_000543.5 (MANE Select); coding-DNA position 767, T replaced by C.
Protein change: p.Leu256Pro; replaces leucine 256 with proline.
Molecular consequence: missense variant. On other transcripts: 5 prime UTR variant (1), non-coding transcript variant (1).
Genome position (GRCh38, 1-based): chr11:6,391,832, T>C. VCF-style: chr11-6391832-T-C. GRCh37 (hg19) VCF-style: chr11-6413062-T-C.
Other names: p.Leu256Pro; c.764T>C, p.Leu255Pro (NM_001007593.3); c.767T>C, p.Leu256Pro (NM_001318087.2, NM_001365135.2); c.-195T>C (NM_001318088.2); short protein forms L255P, L256P.
Identifiers: ClinVar variation 2139959 (VCV002139959.2), dbSNP rs139882665, ClinGen allele CA5852682.